The following is an entry in ClinVar:

NM_002834.5(PTPN11):c.333-3T>C

Gene: PTPN11 (protein tyrosine phosphatase non-receptor type 11; plus strand). Cytogenetic location: 12q24.13.
Variant type: single nucleotide variant.
Coding change: c.333-3T>C on transcript NM_002834.5 (MANE Select); 3 bases into the intron before coding-DNA position 333, T replaced by C.
Molecular consequence: intron variant.
Genome position (GRCh38, 1-based): chr12:112,453,192, T>C. VCF-style: chr12-112453192-T-C. GRCh37 (hg19) VCF-style: chr12-112890996-T-C.
Other names: c.333-3T>C (NM_001330437.2, NM_080601.3, NM_002834.4); c.330-3T>C (NM_001374625.1).
Identifiers: ClinVar variation 40511 (VCV000040511.46), dbSNP rs146749153, ClinGen allele CA282088.

ClinVar aggregate classification (germline): Likely benign. Review status: reviewed by expert panel (3 of 4 stars). 9 submissions from 9 submitters: Likely benign (1). 8 of the submissions do not count toward it. Last evaluated 2017-04-18.

Conditions:
PTPN11-related disorder. Also called: PTPN11-Related Disorders.
Cardiovascular phenotype. Identifiers: MedGen CN230736.
RASopathy. Also called: rasopathies; Noonan spectrum disorder. Identifiers: Orphanet 536391, MedGen C5555857, MONDO:0021060.

Allele frequency attached by ClinVar (database versions not stated): ExAC 0.00005; ESP Exome Variant Server 0.00015; TOPMed 0.00020; gnomAD 0.00026 and 0.00027; 1000 Genomes Project 30x 0.00047; 1000 Genomes Project 0.00080.
gnomAD v4.1: 92 of 1,610,936 alleles (0.0057%); highest among the groups gnomAD compares: African/African-American, 0.081%; no homozygotes.

Submissions (9):

ClinGen RASopathy Variant Curation Expert Panel
Classification: Likely benign for Noonan syndrome and Noonan-related syndrome. Last evaluated: 2017-04-18. Review status: reviewed by expert panel. Criteria: ClinGen RASopathy ACMG Specifications v1. Collection method: curation. Allele origin: germline. Inheritance: Autosomal dominant inheritance.
Comment: The filtering allele frequency of the c.333-3T>C variant in the PTPN11 gene is 0.0276% (6/9456) of African chromosomes by the Exome Aggregation Consortium, which is a high enough frequency to be classified as likely benign based on thresholds defined by the ClinGen RASopathy Expert Panel (BS1; PMID:29493581)

Labcorp Genetics (formerly Invitae), Labcorp
Classification: Uncertain significance for RASopathy. Last evaluated: 2026-01-19. Review status: criteria provided, single submitter. Criteria: Invitae Variant Classification Sherloc (09022015). Collection method: clinical testing. Allele origin: germline. Not counted in ClinVar's aggregate classification.
Comment: This sequence change falls in intron 3 of the PTPN11 gene. It does not directly change the encoded amino acid sequence of the PTPN11 protein. It affects a nucleotide within the consensus splice site. This variant is present in population databases (rs146749153, gnomAD 0.07%), and has an allele count higher than expected for a pathogenic variant. This variant has not been reported in the literature in individuals affected with PTPN11-related conditions. ClinVar contains an entry for this variant (Variation ID: 40511). Variants that disrupt the consensus splice site are a relatively common cause of aberrant splicing (PMID: 17576681, 9536098). Algorithms developed to predict the effect of sequence changes on RNA splicing suggest that this variant is not likely to affect RNA splicing. In summary, the available evidence is currently insufficient to determine the role of this variant in disease. Therefore, it has been classified as a Variant of Uncertain Significance.

Blueprint Genetics
Classification: Likely benign. Last evaluated: 2024-05-08. Review status: criteria provided, single submitter. Criteria: ACMG Guidelines, 2015. Collection method: clinical testing. Allele origin: germline. Not counted in ClinVar's aggregate classification.

CeGaT Center for Human Genetics Tuebingen
Classification: Benign. Last evaluated: 2022-11-01. Review status: criteria provided, single submitter. Criteria: CeGaT Center For Human Genetics Tuebingen Variant Classification Criteria Version 2. Collection method: clinical testing. Allele origin: germline. Affected: yes. Observed: 1 variant allele. Not counted in ClinVar's aggregate classification.
Comment: PTPN11: BP4, BS1, BS2

Ambry Genetics
Classification: Likely benign for Cardiovascular phenotype. Last evaluated: 2019-10-08. Review status: criteria provided, single submitter. Criteria: Ambry Variant Classification Scheme 2023. Collection method: clinical testing. Allele origin: germline. Not counted in ClinVar's aggregate classification.

Women's Health and Genetics/Laboratory Corporation of America, LabCorp
Classification: Benign. Last evaluated: 2018-02-26. Review status: criteria provided, single submitter. Criteria: LabCorp Variant Classification Summary - May 2015. Collection method: clinical testing. Allele origin: germline. Not counted in ClinVar's aggregate classification.
Comment: Variant summary: PTPN11 c.333-3T>C alters a non-conserved nucleotide located close to a canonical splice site and therefore could affect mRNA splicing, leading to a significantly altered protein sequence. 5/5 computational tools predict no significant impact on normal splicing. Two predict this variant creates a cryptic splicing donor site. However, these predictions have yet to be confirmed by functional studies. The variant allele was found at a frequency of 7.2e-05 in 276356 control chromosomes. The observed variant frequency within African control individuals in the gnomAD database is approximately 11.36 fold of the estimated maximal expected allele frequency for a pathogenic variant in PTPN11 causing Noonan Syndrome and Related Conditions phenotype (6.3e-05), strongly suggesting that the variant is a benign polymorphism found primarily in populations of African origin. To our knowledge, no occurrence of c.333-3T>C in individuals affected with Noonan Syndrome and Related Conditions and no experimental evidence demonstrating its impact on protein function have been reported. Two clinical diagnostic laboratories have submitted clinical-significance assessments for this variant to ClinVar after 2014 without evidence for independent evaluation. One laboratory classified the variant as likely benign, and one laboratory classified the variant as uncertain significance. Based on the evidence outlined above, the variant was classified as benign.

Laboratory for Molecular Medicine, Mass General Brigham Personalized Medicine
Classification: Uncertain significance. Last evaluated: 2016-11-10. Review status: criteria provided, single submitter. Criteria: LMM Criteria. Collection method: clinical testing. Allele origin: germline. Observed: 2 variant alleles. Not counted in ClinVar's aggregate classification.
Comment: Variant classified as Uncertain Significance - Favor Benign. It has also been ide ntified in 6/9456 African chromosomes by the Exome Aggregation Consortium (ExAC; dbSNP rs146749153). This variant is located in the 5' splice region. The Cytosine (C) nucleotide at position 331-3 is consisten t with the consensus splice sequence and computational tools do not suggest an i mpact to splicing. However, this information is not predictive enough to rule ou t pathogenicity. In summary, while the clinical significance of the c.333-3T>C v ariant is uncertain, these data suggest that it is more likely to be benign.

GeneDx
Classification: Benign for Rasopathy. Review status: criteria provided, single submitter. Criteria: GeneDx Variant Classification (06012015). Collection method: clinical testing. Allele origin: unknown. Not counted in ClinVar's aggregate classification.
ClinVar note: Converted during submission from POLY to Benign.

PreventionGenetics, part of Exact Sciences
Classification: Likely benign for PTPN11-related condition. Last evaluated: 2021-10-06. Review status: no assertion criteria provided. Collection method: clinical testing. Allele origin: germline. Not counted in ClinVar's aggregate classification.
Comment: This variant is classified as likely benign based on ACMG/AMP sequence variant interpretation guidelines (Richards et al. 2015 PMID: 25741868, with internal and published modifications).

Literature cited by the submitters: PubMed 17576681 (cited by Labcorp Genetics (formerly Invitae), Labcorp); PubMed 9536098 (cited by Labcorp Genetics (formerly Invitae), Labcorp).